The following is an entry in ClinVar:

ClinVar aggregate classification (germline): Pathogenic (1 of 4 stars; one submission).

Conditions:
Autosomal recessive nonsyndromic hearing loss 3. Also called: NEUROSENSORY NONSYNDROMIC RECESSIVE DEAFNESS 3. Identifiers: Orphanet 90636, MedGen C1838263, MONDO:0010860, OMIM 600316.

Submission:

Institute of Rare Diseases, West China Hospital, Sichuan University
Classification: Pathogenic for Autosomal recessive nonsyndromic hearing loss 3. Last evaluated: 2025-01-09. Review status: criteria provided, single submitter. Criteria: ClinGen HL ACMG Specifications v1. Collection method: research. Allele origin: germline. Affected: yes.
Comment: PVS1;PM3;PM2_Supporting

NM_016239.4(MYO15A):c.9156+1G>T

Gene: MYO15A (myosin XVA; plus strand). Cytogenetic location: 17p11.2.
Variant type: single nucleotide variant.
Coding change: c.9156+1G>T on transcript NM_016239.4 (MANE Select); the canonical splice donor site of the intron after coding-DNA position 9156, G replaced by T.
Molecular consequence: splice donor variant.
Genome position (GRCh38, 1-based): chr17:18,158,998, G>T. VCF-style: chr17-18158998-G-T. GRCh37 (hg19) VCF-style: chr17-18062312-G-T.
Identifiers: ClinVar variation 3601412 (VCV003601412.1).
Genomic context (GRCh38, chr17:18,158,998, plus strand): 5'-CTGAAATCCAAGGAGCCTCGGGAGTCCAGAACCTTGGAGGACATGCTTTGCTTCACCAAG[G>T]TGTCCAGTCCCGGACCTCAGTTTCCCCATCTGTAAAATGGTGATGCAGGGGCCCCCTCCC-3'